The following is an entry in ClinVar:

NM_001388492.1(HTT):c.7625+5G>T

Gene: HTT (huntingtin; plus strand). Cytogenetic location: 4p16.3.
Variant type: single nucleotide variant.
Coding change: c.7625+5G>T on transcript NM_001388492.1 (MANE Select); 5 bases into the intron after coding-DNA position 7625, G replaced by T.
Molecular consequence: intron variant.
Genome position (GRCh38, 1-based): chr4:3,223,565, G>T. VCF-style: chr4-3223565-G-T. GRCh37 (hg19) VCF-style: chr4-3225292-G-T.
Other names: c.7625+5G>T (NM_002111.8).
Identifiers: ClinVar variation 1467616 (VCV001467616.6), dbSNP rs763403006, ClinGen allele CA91460104.

ClinVar aggregate classification (germline): Uncertain significance (1 of 4 stars; one submission).

gnomAD v4.1: 5 of 1,602,062 alleles (0.00031%); highest among the groups gnomAD compares: Non-Finnish European, 0.00034%; no homozygotes.

Submission:

Labcorp Genetics (formerly Invitae), Labcorp
Classification: Uncertain significance. Last evaluated: 2022-08-09. Review status: criteria provided, single submitter. Criteria: Invitae Variant Classification Sherloc (09022015). Collection method: clinical testing. Allele origin: germline.
Comment: In summary, the available evidence is currently insufficient to determine the role of this variant in disease. Therefore, it has been classified as a Variant of Uncertain Significance. Variants that disrupt the consensus splice site are a relatively common cause of aberrant splicing (PMID: 17576681, 9536098). Algorithms developed to predict the effect of sequence changes on RNA splicing suggest that this variant may create or strengthen a splice site. ClinVar contains an entry for this variant (Variation ID: 1467616). This variant has not been reported in the literature in individuals affected with HTT-related conditions. This variant is present in population databases (no rsID available, gnomAD 0.004%). This sequence change falls in intron 55 of the HTT gene. It does not directly change the encoded amino acid sequence of the HTT protein. It affects a nucleotide within the consensus splice site.

Literature cited by the submitters: PubMed 17576681; PubMed 9536098.